The following is an entry in ClinVar:

ClinVar aggregate classification (germline): Uncertain significance. Review status: criteria provided, multiple submitters, no conflicts (2 of 4 stars). 2 submissions from 2 submitters: Uncertain significance (2). Last evaluated 2023-11-16.

Conditions:
Hereditary breast ovarian cancer syndrome. Also called: Breast and ovarian cancer; BRCA1- and BRCA2-Associated Hereditary Breast and Ovarian Cancer; Hereditary breast and ovarian cancer; Hereditary breast and ovarian cancer syndrome (HBOC); Hereditary breast and/or ovarian cancer syndrome; Hereditary breast and ovarian cancer syndrome. Identifiers: Orphanet 145, MedGen C0677776, MeSH D061325, MONDO:0003582. Disease mechanism: loss of function.

Submissions (2):

Quest Diagnostics Nichols Institute San Juan Capistrano
Classification: Uncertain significance. Last evaluated: 2023-11-16. Review status: criteria provided, single submitter. Criteria: Quest Diagnostics criteria. Collection method: clinical testing. Allele origin: unknown.
Comment: The BRCA2 c.545A>C (p.Glu182Ala) variant has not been reported in individuals with BRCA2-related conditions in the published literature. It also has not been reported in large, multi-ethnic general populations (Genome Aggregation Database). Analysis of this variant using bioinformatics tools for the prediction of the effect of amino acid changes on protein structure and function yielded conflicting predictions that this variant is benign or damaging. Based on the available information, we are unable to determine the clinical significance of this variant.

Labcorp Genetics (formerly Invitae), Labcorp
Classification: Uncertain significance for Hereditary breast ovarian cancer syndrome. Last evaluated: 2022-02-08. Review status: criteria provided, single submitter. Criteria: Invitae Variant Classification Sherloc (09022015). Collection method: clinical testing. Allele origin: germline.
Comment: This sequence change replaces glutamic acid, which is acidic and polar, with alanine, which is neutral and non-polar, at codon 182 of the BRCA2 protein (p.Glu182Ala). This variant is not present in population databases (gnomAD no frequency). This variant has not been reported in the literature in individuals affected with BRCA2-related conditions. ClinVar contains an entry for this variant (Variation ID: 855911). Advanced modeling of protein sequence and biophysical properties (such as structural, functional, and spatial information, amino acid conservation, physicochemical variation, residue mobility, and thermodynamic stability) performed at Invitae indicates that this missense variant is not expected to disrupt BRCA2 protein function. In summary, the available evidence is currently insufficient to determine the role of this variant in disease. Therefore, it has been classified as a Variant of Uncertain Significance.

Literature cited by the submitters: PubMed 29884841 (cited by Quest Diagnostics Nichols Institute San Juan Capistrano).

NM_000059.4(BRCA2):c.545A>C (p.Glu182Ala)

Gene: BRCA2 (BRCA2 DNA repair associated; plus strand). Cytogenetic location: 13q13.1.
Variant type: single nucleotide variant.
Coding change: c.545A>C on transcript NM_000059.4 (MANE Select); coding-DNA position 545, A replaced by C.
Protein change: p.Glu182Ala; replaces glutamic acid 182 with alanine.
Molecular consequence: missense variant.
Genome position (GRCh38, 1-based): chr13:32,326,527, A>C. VCF-style: chr13-32326527-A-C. GRCh37 (hg19) VCF-style: chr13-32900664-A-C.
Other names: short protein forms E182A.
Identifiers: ClinVar variation 855911 (VCV000855911.8), dbSNP rs786202685, ClinGen allele CA387757871.